The following is an entry in ClinVar:

NM_002546.4(TNFRSF11B):c.700G>A (p.Ala234Thr)

Gene: TNFRSF11B (TNF receptor superfamily member 11b; minus strand). Cytogenetic location: 8q24.12.
Variant type: single nucleotide variant.
Coding change: c.700G>A on transcript NM_002546.4 (MANE Select); coding-DNA position 700, G replaced by A.
Protein change: p.Ala234Thr; replaces alanine 234 with threonine.
Molecular consequence: missense variant.
Genome position (GRCh38, 1-based): chr8:118,926,611, C>T on the plus strand (G>A on the coding strand, the complement: TNFRSF11B is on the minus strand). VCF-style: chr8-118926611-C-T. GRCh37 (hg19) VCF-style: chr8-119938850-C-T.
Other names: short protein forms A234T.
Identifiers: ClinVar variation 361690 (VCV000361690.12), dbSNP rs201393730, ClinGen allele CA4854847.

ClinVar aggregate classification (germline): Uncertain significance. Review status: criteria provided, multiple submitters, no conflicts (2 of 4 stars). 4 submissions from 4 submitters: Uncertain significance (4). Last evaluated 2025-01-25.

Conditions:
Hyperphosphatasemia with bone disease (PDB5). Also called: HYPEROSTOSIS CORTICALIS DEFORMANS JUVENILIS; HYPERPHOSPHATASEMIA, CHRONIC CONGENITAL IDIOPATHIC; HYPERPHOSPHATASIA, FAMILIAL IDIOPATHIC; PAGET DISEASE OF BONE 5, JUVENILE-ONSET; Paget disease of bone 5; Osteoectasia familial. Identifiers: Orphanet 2801, MedGen C0268414, MONDO:0009394, OMIM 239000.

Allele frequency attached by ClinVar (database versions not stated): 1000 Genomes Project 30x 0.00016; 1000 Genomes Project 0.00020; ESP Exome Variant Server 0.00023; ExAC 0.00027; gnomAD exomes 0.00027 and 0.00050; gnomAD 0.00036 and 0.00047; TOPMed 0.00039.
gnomAD v4.1: 781 of 1,614,104 alleles (0.048%); highest among the groups gnomAD compares: Non-Finnish European, 0.063%; no homozygotes.

Submissions (4):

Labcorp Genetics (formerly Invitae), Labcorp
Classification: Uncertain significance. Last evaluated: 2025-01-25. Review status: criteria provided, single submitter. Criteria: Invitae Variant Classification Sherloc (09022015). Collection method: clinical testing. Allele origin: germline.
Comment: This sequence change replaces alanine, which is neutral and non-polar, with threonine, which is neutral and polar, at codon 234 of the TNFRSF11B protein (p.Ala234Thr). This variant is present in population databases (rs201393730, gnomAD 0.05%). This variant has not been reported in the literature in individuals affected with TNFRSF11B-related conditions. ClinVar contains an entry for this variant (Variation ID: 361690). Invitae Evidence Modeling of protein sequence and biophysical properties (such as structural, functional, and spatial information, amino acid conservation, physicochemical variation, residue mobility, and thermodynamic stability) indicates that this missense variant is not expected to disrupt TNFRSF11B protein function with a negative predictive value of 80%. In summary, the available evidence is currently insufficient to determine the role of this variant in disease. Therefore, it has been classified as a Variant of Uncertain Significance.

Revvity Omics, Revvity
Classification: Uncertain significance for Hyperphosphatasemia with bone disease. Last evaluated: 2021-04-22. Review status: criteria provided, single submitter. Criteria: ACMG Guidelines, 2015. Collection method: clinical testing. Allele origin: germline.

Illumina Laboratory Services, Illumina
Classification: Uncertain significance for Hyperphosphatasemia with bone disease. Last evaluated: 2018-01-12. Review status: criteria provided, single submitter. Criteria: ICSL Variant Classification Criteria 13 December 2019. Collection method: clinical testing. Allele origin: germline.

Breakthrough Genomics
Classification: Uncertain significance. Review status: criteria provided, single submitter. Criteria: ACMG Guidelines, 2015. Collection method: not provided. Allele origin: germline. Inheritance: Autosomal recessive inheritance. Affected: yes.